The following is an entry in ClinVar:

ClinVar aggregate classification (germline): Uncertain significance (1 of 4 stars; one submission).

Submission:

Women's Health and Genetics/Laboratory Corporation of America, LabCorp
Classification: Uncertain significance. Last evaluated: 2017-09-01. Review status: criteria provided, single submitter. Criteria: LabCorp Variant Classification Summary - May 2015. Collection method: clinical testing. Allele origin: germline.
Comment: Variant summary: The NBN c.280G>A (p.Gly94Arg) variant involves the alteration of a non-conserved nucleotide located in the SMAD/FHA domain (InterPro). 4/4 in silico tools predict a damaging outcome for this variant (SNPsandGO not captured due to low reliability index). This variant is absent in 121162 control chromosomes from ExAC. The variant of interest has not, to our knowledge, been reported in affected individuals via publications and/or reputable databases/clinical diagnostic laboratories; nor evaluated for functional impact by in vivo/vitro studies. Because of the absence of clinical information and the lack of functional studies, the variant is classified as a variant of uncertain significance (VUS) until additional information becomes available.

NM_002485.5(NBN):c.280G>A (p.Gly94Arg)

Gene: NBN (nibrin; minus strand). Cytogenetic location: 8q21.3.
Variant type: single nucleotide variant.
Coding change: c.280G>A on transcript NM_002485.5 (MANE Select); coding-DNA position 280, G replaced by A.
Protein change: p.Gly94Arg; replaces glycine 94 with arginine.
Molecular consequence: missense variant.
Genome position (GRCh38, 1-based): chr8:89,981,415, C>T on the plus strand (G>A on the coding strand, the complement: NBN is on the minus strand). VCF-style: chr8-89981415-C-T. GRCh37 (hg19) VCF-style: chr8-90993643-C-T.
Other names: c.34G>A, p.Gly12Arg (NM_001024688.3); short protein forms G94R, G12R.
Identifiers: ClinVar variation 632917 (VCV000632917.1), dbSNP rs1563580785, ClinGen allele CA371662418.